The following is an entry in ClinVar:

ClinVar aggregate classification (germline): Uncertain significance (1 of 4 stars; one submission).

Allele frequency attached by ClinVar (database versions not stated): gnomAD exomes below 0.00001; gnomAD 0.00001.
gnomAD v4.1: 2 of 1,613,552 alleles (0.00012%); highest among the groups gnomAD compares: African/African-American, 0.0013%; no homozygotes.

Submission:

Labcorp Genetics (formerly Invitae), Labcorp
Classification: Uncertain significance. Last evaluated: 2023-08-16. Review status: criteria provided, single submitter. Criteria: Invitae Variant Classification Sherloc (09022015). Collection method: clinical testing. Allele origin: germline.
Comment: This variant has not been reported in the literature in individuals affected with KMT2B-related conditions. This variant is not present in population databases (gnomAD no frequency). This sequence change replaces proline, which is neutral and non-polar, with leucine, which is neutral and non-polar, at codon 1961 of the KMT2B protein (p.Pro1961Leu). Advanced modeling of protein sequence and biophysical properties (such as structural, functional, and spatial information, amino acid conservation, physicochemical variation, residue mobility, and thermodynamic stability) performed at Invitae indicates that this missense variant is not expected to disrupt KMT2B protein function. In summary, the available evidence is currently insufficient to determine the role of this variant in disease. Therefore, it has been classified as a Variant of Uncertain Significance.

NM_014727.3(KMT2B):c.5882C>T (p.Pro1961Leu)

Gene: KMT2B (lysine methyltransferase 2B; plus strand). Cytogenetic location: 19q13.12.
Variant type: single nucleotide variant.
Coding change: c.5882C>T on transcript NM_014727.3 (MANE Select); coding-DNA position 5882, C replaced by T.
Protein change: p.Pro1961Leu; replaces proline 1961 with leucine.
Molecular consequence: missense variant.
Genome position (GRCh38, 1-based): chr19:35,732,431, C>T. VCF-style: chr19-35732431-C-T. GRCh37 (hg19) VCF-style: chr19-36223332-C-T.
Other names: short protein forms P1961L.
Identifiers: ClinVar variation 3005442 (VCV003005442.3), dbSNP rs1949982766, ClinGen allele CA405424358.